The following is an entry in ClinVar:

NM_001372.4(DNAH9):c.5505G>C (p.Glu1835Asp)

Gene: DNAH9 (dynein axonemal heavy chain 9; plus strand). Cytogenetic location: 17p12.
Variant type: single nucleotide variant.
Coding change: c.5505G>C on transcript NM_001372.4 (MANE Select); coding-DNA position 5505, G replaced by C.
Protein change: p.Glu1835Asp; replaces glutamic acid 1835 with aspartic acid.
Molecular consequence: missense variant.
Genome position (GRCh38, 1-based): chr17:11,705,138, G>C. VCF-style: chr17-11705138-G-C. GRCh37 (hg19) VCF-style: chr17-11608455-G-C.
Other names: short protein forms E1835D.
Identifiers: ClinVar variation 2046953 (VCV002046953.5), dbSNP rs144520839, ClinGen allele CA8396012.

ClinVar aggregate classification (germline): Conflicting classifications of pathogenicity. Review status: criteria provided, conflicting classifications (1 of 4 stars). 2 submissions from 2 submitters: Pathogenic (1); Uncertain significance (1). Last evaluated 2025-11-09.

Allele frequency attached by ClinVar (database versions not stated): ExAC 0.00005; ESP Exome Variant Server 0.00023.
gnomAD v4.1: 213 of 1,614,006 alleles (0.013%); highest among the groups gnomAD compares: Non-Finnish European, 0.017%; no homozygotes.

Submissions (2):

Labcorp Genetics (formerly Invitae), Labcorp
Classification: Pathogenic. Last evaluated: 2025-11-09. Review status: criteria provided, single submitter. Criteria: Invitae Variant Classification Sherloc (09022015). Collection method: clinical testing. Allele origin: germline.
Comment: This sequence change replaces glutamic acid, which is acidic and polar, with aspartic acid, which is acidic and polar, at codon 1835 of the DNAH9 protein (p.Glu1835Asp). This variant is present in population databases (rs144520839, gnomAD 0.01%). This missense change has been observed in individual(s) with DNAH9-related conditions (internal data). In at least one individual the data is consistent with being in trans (on the opposite chromosome) from a pathogenic variant. It has also been observed to segregate with disease in related individuals. ClinVar contains an entry for this variant (Variation ID: 2046953). Invitae Evidence Modeling of protein sequence and biophysical properties (such as structural, functional, and spatial information, amino acid conservation, physicochemical variation, residue mobility, and thermodynamic stability) indicates that this missense variant is expected to disrupt DNAH9 protein function with a positive predictive value of 80%. For these reasons, this variant has been classified as Pathogenic.

Blueprint Genetics
Classification: Uncertain significance. Last evaluated: 2021-08-28. Review status: criteria provided, single submitter. Criteria: ACMG Guidelines, 2015. Collection method: clinical testing. Allele origin: germline.